The following is an entry in ClinVar:

ClinVar aggregate classification (germline): Benign/Likely benign. Review status: criteria provided, multiple submitters, no conflicts (2 of 4 stars). 15 submissions from 14 submitters: Benign (11); Likely benign (1). 3 of the submissions do not count toward it. Last evaluated 2026-02-03.

Conditions:
Early-infantile DEE. Also called: Ohtahara syndrome; Early infantile epileptic encephalopathy; Early infantile epileptic encephalopathy with suppression bursts. Identifiers: Orphanet 1934, MedGen C0393706, MONDO:0800491.
Inborn genetic diseases. Identifiers: MedGen C0950123, MeSH D030342.
Generalized epilepsy with febrile seizures plus, type 2 (GEFSP2). Also called: GEFS+, TYPE 2. Identifiers: Orphanet 36387, MedGen C1858673, MONDO:0011461, OMIM 604403.
Migraine, familial hemiplegic, 3. Identifiers: Orphanet 569, MedGen C1864987, MONDO:0012320, OMIM 609634.
Severe myoclonic epilepsy in infancy (DRVT). Also called: SEVERE MYOCLONIC EPILEPSY OF INFANCY; DEVELOPMENTAL AND EPILEPTIC ENCEPHALOPATHY 6A; Dravet syndrome; Severe Myoclonic Epilepsy in Infancy (SMEI); Epileptic encephalopathy, early infantile, 6 (Dravet syndrome). Identifiers: Orphanet 33069, MedGen C0751122, MONDO:0100135, OMIM 607208.

Allele frequency attached by ClinVar (database versions not stated): 1000 Genomes Project 0.03574; 1000 Genomes Project 30x 0.03982; ESP Exome Variant Server 0.04261; gnomAD 0.03789 and 0.03519; gnomAD exomes 0.00335 and 0.00904; TOPMed 0.03948; ExAC 0.01232.
gnomAD v4.1: 10,412 of 1,608,278 alleles (0.65%); highest among the groups gnomAD compares: African/African-American, 12%; 601 homozygotes.

Submissions (15):

Labcorp Genetics (formerly Invitae), Labcorp
Classification: Benign for Early-infantile DEE. Last evaluated: 2026-02-03. Review status: criteria provided, single submitter. Criteria: Invitae Variant Classification Sherloc (09022015). Collection method: clinical testing. Allele origin: germline.

Athena Diagnostics
Classification: Benign. Last evaluated: 2021-06-17. Review status: criteria provided, single submitter. Criteria: Athena Diagnostics Criteria. Collection method: clinical testing. Allele origin: unknown.

Ambry Genetics
Classification: Benign for Inborn genetic diseases. Last evaluated: 2019-05-09. Review status: criteria provided, single submitter. Criteria: Ambry Variant Classification Scheme 2023. Collection method: clinical testing. Allele origin: germline.

Mayo Clinic Laboratories, Mayo Clinic
Classification: Benign. Last evaluated: 2018-08-13. Review status: criteria provided, single submitter. Criteria: ACMG Guidelines, 2015. Collection method: clinical testing. Allele origin: germline. Observed: 17 variant alleles.

Illumina Laboratory Services, Illumina
Classification: Benign for Migraine, familial hemiplegic, 3. Last evaluated: 2018-01-13. Review status: criteria provided, single submitter. Criteria: ICSL Variant Classification Criteria 13 December 2019. Collection method: clinical testing. Allele origin: germline.
Comment: This variant was observed in the ICSL laboratory as part of a predisposition screen in an ostensibly healthy population. It had not been previously curated by ICSL or reported in the Human Gene Mutation Database (HGMD: prior to June 1st, 2018), and was therefore a candidate for classification through an automated scoring system. Utilizing variant allele frequency, disease prevalence and penetrance estimates, and inheritance mode, an automated score was calculated to assess if this variant is too frequent to cause the disease. Based on the score and internal cut-off values, a variant classified as benign is not then subjected to further curation. The score for this variant resulted in a classification of benign for this disease.

Illumina Laboratory Services, Illumina
Classification: Benign for Generalized epilepsy with febrile seizures plus, type 2. Last evaluated: 2018-01-13. Review status: criteria provided, single submitter. Criteria: ICSL Variant Classification Criteria 13 December 2019. Collection method: clinical testing. Allele origin: germline.
Comment: the same text as in the submission from Illumina Laboratory Services, Illumina above.

Eurofins Ntd Llc (ga)
Classification: Benign. Last evaluated: 2014-04-07. Review status: criteria provided, single submitter. Criteria: EGL Classification Definitions 2015. Collection method: clinical testing. Allele origin: germline. Observed: 14 variant alleles, 14 heterozygotes.

Genetic Services Laboratory, University of Chicago
Classification: Benign for AllHighlyPenetrant. Last evaluated: 2012-09-07. Review status: criteria provided, single submitter. Criteria: ACMG Guidelines, 2007. Collection method: clinical testing. Allele origin: germline. Inheritance: Autosomal dominant inheritance.

GeneDx
Classification: Benign. Last evaluated: 2012-06-12. Review status: criteria provided, single submitter. Criteria: GeneDx Variant Classification (06012015). Collection method: clinical testing. Allele origin: germline. Affected: yes.
Comment: This variant is considered likely benign or benign based on one or more of the following criteria: it is a conservative change, it occurs at a poorly conserved position in the protein, it is predicted to be benign by multiple in silico algorithms, and/or has population frequency not consistent with disease.

Women's Health and Genetics/Laboratory Corporation of America, LabCorp
Classification: Benign for Severe Myoclonic Epilepsy of Infancy. Last evaluated: 2011-08-18. Review status: criteria provided, single submitter. Criteria: LabCorp Variant Classification Summary - May 2015. Collection method: curation. Allele origin: germline. Inheritance: autosomal unknown. Affected: yes.
ClinVar note: Converted during submission from benign to Benign.

Breakthrough Genomics
Classification: Likely benign. Review status: criteria provided, single submitter. Criteria: ACMG Guidelines, 2015. Collection method: not provided. Allele origin: germline. Inheritance: Autosomal dominant inheritance. Affected: yes.

PreventionGenetics, part of Exact Sciences
Classification: Benign. Review status: criteria provided, single submitter. Criteria: ACMG Guidelines, 2015. Collection method: clinical testing. Allele origin: germline.

Genome Diagnostics Laboratory, University Medical Center Utrecht
Classification: Benign. Review status: no assertion criteria provided. Collection method: clinical testing. Allele origin: germline. Affected: yes. Study: VKGL Data-share Consensus. Not counted in ClinVar's aggregate classification.

Joint Genome Diagnostic Labs from Nijmegen and Maastricht, Radboudumc and MUMC+
Classification: Benign. Review status: no assertion criteria provided. Collection method: clinical testing. Allele origin: germline. Affected: yes. Study: VKGL Data-share Consensus. Not counted in ClinVar's aggregate classification.

Laboratory of Diagnostic Genome Analysis, Leiden University Medical Center (LUMC)
Classification: Likely benign. Review status: no assertion criteria provided. Collection method: clinical testing. Allele origin: germline. Affected: yes. Study: VKGL Data-share Consensus. Not counted in ClinVar's aggregate classification.

Literature cited by the submitters: PubMed 18930999 (cited by Women's Health and Genetics/Laboratory Corporation of America, LabCorp).

NM_001165963.4(SCN1A):c.3723T>C (p.Tyr1241=)

Genes: SCN1A (sodium voltage-gated channel alpha subunit 1; minus strand), LOC102724058 (uncharacterized LOC102724058; plus strand). Cytogenetic location: 2q24.3.
Variant type: single nucleotide variant.
Coding change: c.3723T>C on transcript NM_001165963.4 (MANE Select); coding-DNA position 3723, T replaced by C.
Protein change: p.Tyr1241=; no amino-acid change (tyrosine 1241 retained).
Molecular consequence: synonymous variant. On other transcripts: non-coding transcript variant (1).
Genome position (GRCh38, 1-based): chr2:166,012,265, A>G on the plus strand (T>C on the coding strand, the complement: SCN1A is on the minus strand). VCF-style: chr2-166012265-A-G. GRCh37 (hg19) VCF-style: chr2-166868775-A-G.
Other names: p.Y1241Y:TAT>TAC; p.Tyr1241=; c.3723T>C (NM_001165963.3); c.3639T>C, p.Tyr1213= (NM_001165964.3, NM_001353957.2, NM_001353958.2); c.3723T>C, p.Tyr1241= (NM_001202435.3, NM_001353948.2); c.3690T>C, p.Tyr1230= (NM_001353949.2, NM_001353950.2, NM_001353951.2 and 2 more transcripts); c.3687T>C, p.Tyr1229= (NM_001353954.2, NM_001353955.2); c.3636T>C, p.Tyr1212= (NM_001353960.2); and 1 more.
Identifiers: ClinVar variation 36754 (VCV000036754.35), dbSNP rs36031496, ClinGen allele CA281869.